The following is an entry in ClinVar:

NC_000010.10:g.(?_79778900)_(79799964_?)dup

Genes: POLR3A (RNA polymerase III subunit A; minus strand), RPS24 (ribosomal protein S24; plus strand). Cytogenetic location: 10q22.3.
Variant type: Duplication.
Identifiers: ClinVar variation 1411595 (VCV001411595.4).

ClinVar aggregate classification (germline): Uncertain significance (1 of 4 stars; one submission).

Submission:

Labcorp Genetics (formerly Invitae), Labcorp
Classification: Uncertain significance. Last evaluated: 2022-08-31. Review status: criteria provided, single submitter. Criteria: Invitae Variant Classification Sherloc (09022015). Collection method: clinical testing. Allele origin: germline.
Comment: This variant results in a copy number gain of the genomic region encompassing exon(s) 1-9 of the POLR3A gene. This region includes the initiator codon of the gene. This copy number gain extends beyond the assayed region for this gene and therefore may encompass additional genes. As the precise location of this event is unknown, it may be in tandem or it may be located elsewhere in the genome. This variant has not been reported in the literature in individuals affected with POLR3A-related conditions. Experimental studies and prediction algorithms are not available or were not evaluated, and the functional significance of this variant is currently unknown. In summary, the available evidence is currently insufficient to determine the role of this variant in disease. Therefore, it has been classified as a Variant of Uncertain Significance.